The following is an entry in ClinVar:

ClinVar aggregate classification (germline): Uncertain significance (1 of 4 stars; one submission).

Submission:

Greenwood Genetic Center Diagnostic Laboratories, Greenwood Genetic Center
Classification: Uncertain significance. Last evaluated: 2022-10-11. Review status: criteria provided, single submitter. Criteria: ACMG Guidelines, 2015. Collection method: clinical testing. Allele origin: germline. Affected: yes.
Comment: Gene of Uncertain Significance

NM_016148.5(SHANK1):c.2363C>G (p.Ser788Cys)

Gene: SHANK1 (SH3 and multiple ankyrin repeat domains 1; minus strand). Cytogenetic location: 19q13.33.
Variant type: single nucleotide variant.
Coding change: c.2363C>G on transcript NM_016148.5 (MANE Select); coding-DNA position 2363, C replaced by G.
Protein change: p.Ser788Cys; replaces serine 788 with cysteine.
Molecular consequence: missense variant.
Genome position (GRCh38, 1-based): chr19:50,687,608, G>C on the plus strand (C>G on the coding strand, the complement: SHANK1 is on the minus strand). VCF-style: chr19-50687608-G-C. GRCh37 (hg19) VCF-style: chr19-51190865-G-C.
Other names: short protein forms S788C.
Identifiers: ClinVar variation 2429069 (VCV002429069.4), dbSNP rs1398677966, ClinGen allele CA407025635.